The following is an entry in ClinVar:

NM_000053.4(ATP7B):c.-80A>G

Gene: ATP7B (ATPase copper transporting beta; minus strand). Cytogenetic location: 13q14.3.
Variant type: single nucleotide variant.
Coding change: c.-80A>G on transcript NM_000053.4 (MANE Select); 80 bases upstream of the start codon, A replaced by G.
Molecular consequence: 5 prime UTR variant. On other transcripts: intron variant (11).
Genome position (GRCh38, 1-based): chr13:52,011,417, T>C on the plus strand (A>G on the coding strand, the complement: ATP7B is on the minus strand). VCF-style: chr13-52011417-T-C. GRCh37 (hg19) VCF-style: chr13-52585553-T-C.
Other names: c.-80A>G (NM_001005918.3, NM_001243182.2, NM_001330578.2 and 20 more transcripts); c.-267A>G (NM_001406518.1); c.-209A>G (NM_001406539.1); c.-54-26A>G (NM_001406541.1, NM_001406531.1, NM_001406527.1 and 7 more transcripts); c.-183-26A>G (NM_001406543.1).
Identifiers: ClinVar variation 5003228 (VCV005003228.1).
Genomic context (GRCh38, chr13:52,011,417, plus strand): 5'-ATTCTTCTCTGATCTGGCTCAGAGCAAAAGGTCACCTGGTCGGTGGAGGAGAGCGGGGTG[T>C]TAAAGTCCCGGGAGAGGAGGCGCAGAGTGTGAGGGCATCGGCGCGGCTCGGCTCTAAAGC-3'

ClinVar aggregate classification (germline): Uncertain significance (1 of 4 stars; one submission).

Conditions:
Wilson disease (WND). Also called: Wilson's disease. Identifiers: Orphanet 905, MedGen C0019202, MONDO:0010200, OMIM 277900. Disease mechanism: loss of function.

gnomAD v4.1: 135 of 1,594,698 alleles (0.0085%); highest among the groups gnomAD compares: South Asian, 0.14%; 1 homozygote.

Submission:

Myriad Genetics, Inc.
Classification: Uncertain significance for Wilson disease. Last evaluated: 2026-03-25. Review status: criteria provided, single submitter. Criteria: Myriad Autosomal Dominant, Autosomal Recessive and X-Linked Classification Criteria (2023). Collection method: clinical testing. Allele origin: unknown.
Comment: NM_000053.3(ATP7B):c.-80A>G is a 5' non-coding variant classified as a variant of uncertain significance in the context of Wilson disease. c.-80A>G has not been observed in cases with relevant disease. Relevant functional assessments of this variant are not available in the literature. c.-80A>G has not been observed in referenced population frequency databases. In summary, there is insufficient evidence to classify NM_000053.3(ATP7B):c.-80A>G as pathogenic or benign. Please note: this variant was assessed in the context of healthy population screening.